The following is an entry in ClinVar:

NM_207361.6(FREM2):c.317C>T (p.Ala106Val)

Gene: FREM2 (FRAS1 related extracellular matrix 2; plus strand). Cytogenetic location: 13q13.3.
Variant type: single nucleotide variant.
Coding change: c.317C>T on transcript NM_207361.6 (MANE Select); coding-DNA position 317, C replaced by T.
Protein change: p.Ala106Val; replaces alanine 106 with valine.
Molecular consequence: missense variant.
Genome position (GRCh38, 1-based): chr13:38,687,661, C>T. VCF-style: chr13-38687661-C-T. GRCh37 (hg19) VCF-style: chr13-39261798-C-T.
Other names: short protein forms A106V.
Identifiers: ClinVar variation 1924024 (VCV001924024.2), dbSNP rs1363750242, ClinGen allele CA387881985.
Genomic context (GRCh38, chr13:38,687,661, plus strand): 5'-AAGTCTGGCTGGATCCCCTGCATGACCTGGTGTTGCAGGTGCAGCCCGGGGACCGCTGCG[C>T]GGTTTCGGTACTAGACAACGACGCACTGGCCCAGCGACCGGGCCGCCTGAGTCCCAAGCG-3'
Protein context (NP_997244.4, residues 96-116): VLQVQPGDRC[Ala106Val]VSVLDNDALA

ClinVar aggregate classification (germline): Uncertain significance (1 of 4 stars; one submission).

Allele frequency attached by ClinVar (database versions not stated): gnomAD 0.00001; TOPMed 0.00001.
gnomAD v4.1: 2 of 1,605,268 alleles (0.00012%); highest among the groups gnomAD compares: Admixed American, 0.0034%; no homozygotes.

Submission:

Labcorp Genetics (formerly Invitae), Labcorp
Classification: Uncertain significance. Last evaluated: 2022-06-01. Review status: criteria provided, single submitter. Criteria: Invitae Variant Classification Sherloc (09022015). Collection method: clinical testing. Allele origin: germline.
Comment: This sequence change replaces alanine, which is neutral and non-polar, with valine, which is neutral and non-polar, at codon 106 of the FREM2 protein (p.Ala106Val). The frequency data for this variant in the population databases is considered unreliable, as metrics indicate poor data quality at this position in the gnomAD database. This variant has not been reported in the literature in individuals affected with FREM2-related conditions. Algorithms developed to predict the effect of missense changes on protein structure and function output the following: SIFT: "Tolerated"; PolyPhen-2: "Benign"; Align-GVGD: "Class C0". The valine amino acid residue is found in multiple mammalian species, which suggests that this missense change does not adversely affect protein function. In summary, the available evidence is currently insufficient to determine the role of this variant in disease. Therefore, it has been classified as a Variant of Uncertain Significance.